The following is an entry in ClinVar:

NM_018275.5(TRAPPC14):c.1437C>T (p.Ser479=)

Gene: TRAPPC14 (trafficking protein particle complex subunit 14; minus strand). Cytogenetic location: 7q22.1.
Variant type: single nucleotide variant.
Coding change: c.1437C>T on transcript NM_018275.5 (MANE Select); coding-DNA position 1437, C replaced by T.
Protein change: p.Ser479=; no amino-acid change (serine 479 retained).
Molecular consequence: synonymous variant.
Genome position (GRCh38, 1-based): chr7:100,155,414, G>A on the plus strand (C>T on the coding strand, the complement: TRAPPC14 is on the minus strand). VCF-style: chr7-100155414-G-A. GRCh37 (hg19) VCF-style: chr7-99753037-G-A.
Other names: c.630C>T, p.Ser210= (NM_001303470.2).
Identifiers: ClinVar variation 2657740 (VCV002657740.24), dbSNP rs980701374, ClinGen allele CA163197894.

ClinVar aggregate classification (germline): Likely benign (1 of 4 stars; one submission).

Allele frequency attached by ClinVar (database versions not stated): gnomAD 0.00001; gnomAD exomes 0.00001; TOPMed 0.00001.
gnomAD v4.1: 15 of 1,538,548 alleles (0.00097%); highest among the groups gnomAD compares: East Asian, 0.0024%; no homozygotes.

Submission:

CeGaT Center for Human Genetics Tuebingen
Classification: Likely benign. Last evaluated: 2023-08-01. Review status: criteria provided, single submitter. Criteria: CeGaT Center For Human Genetics Tuebingen Variant Classification Criteria Version 2. Collection method: clinical testing. Allele origin: germline. Affected: yes. Observed: 1 variant allele.
Comment: TRAPPC14: BP4, BP7